The following is an entry in ClinVar:

NM_020779.4(WDR35):c.2746A>G (p.Lys916Glu)

Gene: WDR35 (WD repeat domain 35; minus strand). Cytogenetic location: 2p24.1.
Variant type: single nucleotide variant.
Coding change: c.2746A>G on transcript NM_020779.4 (MANE Select); coding-DNA position 2746, A replaced by G.
Protein change: p.Lys916Glu; replaces lysine 916 with glutamic acid.
Molecular consequence: missense variant.
Genome position (GRCh38, 1-based): chr2:19,932,360, T>C on the plus strand (A>G on the coding strand, the complement: WDR35 is on the minus strand). VCF-style: chr2-19932360-T-C. GRCh37 (hg19) VCF-style: chr2-20132121-T-C.
Other names: c.2779A>G, p.Lys927Glu (NM_001006657.2); short protein forms K927E, K916E.
Identifiers: ClinVar variation 1409061 (VCV001409061.5), dbSNP rs2103398404, ClinGen allele CA345942283.

ClinVar aggregate classification (germline): Uncertain significance. Review status: criteria provided, multiple submitters, no conflicts (2 of 4 stars). 2 submissions from 2 submitters: Uncertain significance (2). Last evaluated 2024-02-13.

Conditions:
Short-rib thoracic dysplasia 7 with or without polydactyly (SRTD7). Also called: Short rib polydactyly syndrome 5; SHORT-RIB THORACIC DYSPLASIA 7 WITH POLYDACTYLY. Identifiers: Orphanet 498497, Orphanet 93271, MedGen C3279792, MONDO:0013569, OMIM 614091.
Cranioectodermal dysplasia 2 (CED2). Identifiers: Orphanet 1515, MedGen C3150874, MONDO:0013323, OMIM 613610.

Allele frequency attached by ClinVar (database versions not stated): gnomAD exomes below 0.00001.
gnomAD v4.1: 6 of 1,613,358 alleles (0.00037%); highest among the groups gnomAD compares: East Asian, 0.0022%; no homozygotes.

Submissions (2):

Blueprint Genetics
Classification: Uncertain significance. Last evaluated: 2024-02-13. Review status: criteria provided, single submitter. Criteria: ACMG Guidelines, 2015. Collection method: clinical testing. Allele origin: germline.

Labcorp Genetics (formerly Invitae), Labcorp
Classification: Uncertain significance for Cranioectodermal dysplasia 2; Short-rib thoracic dysplasia 7 with or without polydactyly. Last evaluated: 2023-08-30. Review status: criteria provided, single submitter. Criteria: Invitae Variant Classification Sherloc (09022015). Collection method: clinical testing. Allele origin: germline.
Comment: In summary, the available evidence is currently insufficient to determine the role of this variant in disease. Therefore, it has been classified as a Variant of Uncertain Significance. Advanced modeling of protein sequence and biophysical properties (such as structural, functional, and spatial information, amino acid conservation, physicochemical variation, residue mobility, and thermodynamic stability) performed at Invitae indicates that this missense variant is not expected to disrupt WDR35 protein function. ClinVar contains an entry for this variant (Variation ID: 1409061). This variant has not been reported in the literature in individuals affected with WDR35-related conditions. This variant is not present in population databases (gnomAD no frequency). This sequence change replaces lysine, which is basic and polar, with glutamic acid, which is acidic and polar, at codon 927 of the WDR35 protein (p.Lys927Glu).